The following is an entry in ClinVar:

NM_000126.4(ETFA):c.596G>A (p.Trp199Ter)

Gene: ETFA (electron transfer flavoprotein subunit alpha; minus strand). Cytogenetic location: 15q24.2.
Variant type: single nucleotide variant.
Coding change: c.596G>A on transcript NM_000126.4 (MANE Select); coding-DNA position 596, G replaced by A.
Protein change: p.Trp199Ter; replaces tryptophan 199 with a stop codon.
Molecular consequence: nonsense.
Genome position (GRCh38, 1-based): chr15:76,285,705, C>T on the plus strand (G>A on the coding strand, the complement: ETFA is on the minus strand). VCF-style: chr15-76285705-C-T. GRCh37 (hg19) VCF-style: chr15-76578046-C-T.
Other names: c.449G>A, p.Trp150Ter (NM_001127716.2); short protein forms W150*, W199*.
Identifiers: ClinVar variation 4817474 (VCV004817474.1).

ClinVar aggregate classification (germline): Likely pathogenic (1 of 4 stars; one submission).

Conditions:
Glutaric acidemia type 2A.

Submission:

Natera, Inc.
Classification: Likely pathogenic for Glutaric acidemia type 2A. Last evaluated: 2024-12-02. Review status: criteria provided, single submitter. Criteria: Natera Variant Classification Schema (03/2026). Collection method: clinical testing. Allele origin: germline.
Comment: The c.596G>A variant in ETFA is a nonsense variant predicted to introduce a stop codon at amino acid 199. This variant is expected to result in nonsense mediated decay, truncation, or a dysfunctional protein product. This variant is rare in the general population with a frequency below the threshold expected for the associated phenotype(s). Given the available evidence, this variant is classified as Likely Pathogenic.